The following is an entry in ClinVar:

ClinVar aggregate classification (germline): Uncertain significance (1 of 4 stars; one submission).

Conditions:
Genitopatellar syndrome (GTPTS). Also called: ABSENT PATELLAE, SCROTAL HYPOPLASIA, RENAL ANOMALIES, FACIAL DYSMORPHISM, AND MENTAL RETARDATION; Genitopatellar syndrome (GPS). Identifiers: Orphanet 85201, MedGen C1853566, MONDO:0011640, OMIM 606170.

Allele frequency attached by ClinVar (database versions not stated): gnomAD exomes below 0.00001.
gnomAD v4.1: 2 of 1,614,226 alleles (0.00012%); highest among the groups gnomAD compares: Non-Finnish European, 0.00017%; no homozygotes.

Submission:

Labcorp Genetics (formerly Invitae), Labcorp
Classification: Uncertain significance for Genitopatellar syndrome. Last evaluated: 2024-08-05. Review status: criteria provided, single submitter. Criteria: Invitae Variant Classification Sherloc (09022015). Collection method: clinical testing. Allele origin: germline.
Comment: This sequence change replaces glutamine, which is neutral and polar, with glutamic acid, which is acidic and polar, at codon 1752 of the KAT6B protein (p.Gln1752Glu). This variant is not present in population databases (gnomAD no frequency). This variant has not been reported in the literature in individuals affected with KAT6B-related conditions. An algorithm developed to predict the effect of missense changes on protein structure and function (PolyPhen-2) suggests that this variant is likely to be disruptive. In summary, the available evidence is currently insufficient to determine the role of this variant in disease. Therefore, it has been classified as a Variant of Uncertain Significance.

NM_012330.4(KAT6B):c.5254C>G (p.Gln1752Glu)

Gene: KAT6B (lysine acetyltransferase 6B; plus strand). Cytogenetic location: 10q22.2.
Variant type: single nucleotide variant.
Coding change: c.5254C>G on transcript NM_012330.4 (MANE Select); coding-DNA position 5254, C replaced by G.
Protein change: p.Gln1752Glu; replaces glutamine 1752 with glutamic acid.
Molecular consequence: missense variant.
Genome position (GRCh38, 1-based): chr10:75,030,078, C>G. VCF-style: chr10-75030078-C-G. GRCh37 (hg19) VCF-style: chr10-76789836-C-G.
Other names: c.4705C>G, p.Gln1569Glu (NM_001256468.2, NM_001370138.1); c.4378C>G, p.Gln1460Glu (NM_001256469.2, NM_001370142.1, NM_001370139.1 and 2 more transcripts); c.4189C>G, p.Gln1397Glu (NM_001370143.1, NM_001370144.1); c.4216C>G, p.Gln1406Glu (NM_001370132.1); c.3565C>G, p.Gln1189Glu (NM_001370133.1); c.3169C>G, p.Gln1057Glu (NM_001370134.1); c.2911C>G, p.Gln971Glu (NM_001370135.1); c.5254C>G, p.Gln1752Glu (NM_001370136.1, NM_001370137.1); short protein forms Q1752E, Q1397E, Q971E, Q1057E, Q1189E, Q1406E, Q1460E, Q1569E.
Identifiers: ClinVar variation 2760439 (VCV002760439.3), dbSNP rs924532501, ClinGen allele CA209710470.